The following is an entry in ClinVar:

NM_002625.4(PFKFB1):c.1214T>C (p.Leu405Pro)

Gene: PFKFB1 (6-phosphofructo-2-kinase/fructose-2,6-biphosphatase 1; minus strand). Cytogenetic location: Xp11.21.
Variant type: single nucleotide variant.
Coding change: c.1214T>C on transcript NM_002625.4 (MANE Select); coding-DNA position 1214, T replaced by C.
Protein change: p.Leu405Pro; replaces leucine 405 with proline.
Molecular consequence: missense variant. On other transcripts: non-coding transcript variant (1).
Genome position (GRCh38, 1-based): chrX:54,937,609, A>G on the plus strand (T>C on the coding strand, the complement: PFKFB1 is on the minus strand). VCF-style: chrX-54937609-A-G. GRCh37 (hg19) VCF-style: chrX-54964042-A-G.
Other names: c.1148T>C, p.Leu383Pro (NM_001271804.2); c.1019T>C, p.Leu340Pro (NM_001271805.2); short protein forms L383P, L405P, L340P.
Identifiers: ClinVar variation 2231701 (VCV002231701.26), dbSNP rs148416501, ClinGen allele CA10427638.

ClinVar aggregate classification (germline): Conflicting classifications of pathogenicity. Review status: criteria provided, conflicting classifications (1 of 4 stars). 2 submissions from 2 submitters: Uncertain significance (1); Likely benign (1). Last evaluated 2025-04-30.

Allele frequency attached by ClinVar (database versions not stated): 1000 Genomes Project 30x 0.00021; 1000 Genomes Project 0.00026; ExAC 0.00031; TOPMed 0.00036; gnomAD 0.00042; ESP Exome Variant Server 0.00047; gnomAD exomes 0.00054.

Submissions (2):

Ambry Genetics
Classification: Uncertain significance. Last evaluated: 2025-04-30. Review status: criteria provided, single submitter. Criteria: Ambry Variant Classification Scheme 2023. Collection method: clinical testing. Allele origin: germline.

CeGaT Center for Human Genetics Tuebingen
Classification: Likely benign. Last evaluated: 2023-04-01. Review status: criteria provided, single submitter. Criteria: CeGaT Center For Human Genetics Tuebingen Variant Classification Criteria Version 2. Collection method: clinical testing. Allele origin: germline. Affected: yes. Observed: 2 variant alleles.
Comment: PFKFB1: PP3, BS2